The following is an entry in ClinVar:

ClinVar aggregate classification (germline): Uncertain significance (1 of 4 stars; one submission).

Conditions:
Sulfite oxidase deficiency. Also called: Isolated sulfite oxidase deficiency. Identifiers: Orphanet 833, Orphanet 99731, MedGen C0268624, MONDO:0010089, OMIM 272300, HP:0003643.

Allele frequency attached by ClinVar (database versions not stated): gnomAD exomes below 0.00001; TOPMed below 0.00001; gnomAD 0.00001.

Submission:

Labcorp Genetics (formerly Invitae), Labcorp
Classification: Uncertain significance for Sulfite oxidase deficiency. Last evaluated: 2021-09-01. Review status: criteria provided, single submitter. Criteria: Invitae Variant Classification Sherloc (09022015). Collection method: clinical testing. Allele origin: germline.
Comment: This sequence change replaces leucine with glutamine at codon 348 of the SUOX protein (p.Leu348Gln). The leucine residue is highly conserved and there is a moderate physicochemical difference between leucine and glutamine. This variant is not present in population databases (ExAC no frequency). This variant has not been reported in the literature in individuals affected with SUOX-related conditions. Algorithms developed to predict the effect of missense changes on protein structure and function (SIFT, PolyPhen-2, Align-GVGD) all suggest that this variant is likely to be disruptive. In summary, the available evidence is currently insufficient to determine the role of this variant in disease. Therefore, it has been classified as a Variant of Uncertain Significance.

NM_001032386.2(SUOX):c.1043T>A (p.Leu348Gln)

Gene: SUOX (sulfite oxidase; plus strand). Cytogenetic location: 12q13.2.
Variant type: single nucleotide variant.
Coding change: c.1043T>A on transcript NM_001032386.2 (MANE Select); coding-DNA position 1043, T replaced by A.
Protein change: p.Leu348Gln; replaces leucine 348 with glutamine.
Molecular consequence: missense variant.
Genome position (GRCh38, 1-based): chr12:56,004,432, T>A. VCF-style: chr12-56004432-T-A. GRCh37 (hg19) VCF-style: chr12-56398216-T-A.
Other names: c.1043T>A, p.Leu348Gln (NM_000456.3, NM_001032387.2); short protein forms L348Q.
Identifiers: ClinVar variation 1413504 (VCV001413504.6), dbSNP rs1178428880, ClinGen allele CA385290563.
Genomic context (GRCh38, chr12:56,004,432, plus strand): 5'-CTGCCTATGGAGCATCCATCCCTCTGGCTCGGGCCATGGACCCTGAAGCTGAGGTCCTGC[T>A]GGCATATGAGATGAATGGGCAGCCTCTGCCACGTGACCACGGCTTCCCTGTGCGTGTGGT-3'
Protein context (NP_001027558.1, residues 338-358): RAMDPEAEVL[Leu348Gln]AYEMNGQPLP